The following is an entry in ClinVar:

ClinVar aggregate classification (germline): Uncertain significance. Review status: criteria provided, multiple submitters, no conflicts (2 of 4 stars). 2 submissions from 2 submitters: Uncertain significance (2). Last evaluated 2024-10-18.

Conditions:
Renal cell carcinoma. Identifiers: Orphanet 217071, MedGen C0007134, MeSH D002292, MONDO:0005086, HP:0005584.
Hereditary cancer-predisposing syndrome. Also called: Hereditary neoplastic syndrome; Neoplastic Syndromes, Hereditary; Tumor predisposition; Hereditary Cancer Syndrome. Identifiers: Orphanet 140162, MedGen C0027672, MeSH D009386, MONDO:0015356.

gnomAD v4.1: 22 of 1,613,526 alleles (0.0014%); highest among the groups gnomAD compares: Non-Finnish European, 0.0018%; no homozygotes.

Submissions (2):

Ambry Genetics
Classification: Uncertain significance for Hereditary cancer-predisposing syndrome. Last evaluated: 2024-10-18. Review status: criteria provided, single submitter. Criteria: Ambry Variant Classification Scheme 2023. Collection method: clinical testing. Allele origin: germline.
Comment: The p.R739G variant (also known as c.2215C>G), located in coding exon 8 of the MET gene, results from a C to G substitution at nucleotide position 2215. The arginine at codon 739 is replaced by glycine, an amino acid with dissimilar properties. This amino acid position is not well conserved in available vertebrate species. In addition, this alteration is predicted to be tolerated by in silico analysis. Based on the available evidence, the clinical significance of this variant remains unclear.

Labcorp Genetics (formerly Invitae), Labcorp
Classification: Uncertain significance for Renal cell carcinoma. Last evaluated: 2024-04-15. Review status: criteria provided, single submitter. Criteria: Invitae Variant Classification Sherloc (09022015). Collection method: clinical testing. Allele origin: germline.
Comment: This sequence change replaces arginine, which is basic and polar, with glycine, which is neutral and non-polar, at codon 739 of the MET protein (p.Arg739Gly). This variant is not present in population databases (gnomAD no frequency). This variant has not been reported in the literature in individuals affected with MET-related conditions. ClinVar contains an entry for this variant (Variation ID: 185515). Advanced modeling of protein sequence and biophysical properties (such as structural, functional, and spatial information, amino acid conservation, physicochemical variation, residue mobility, and thermodynamic stability) performed at Invitae indicates that this missense variant is not expected to disrupt MET protein function with a negative predictive value of 80%. In summary, the available evidence is currently insufficient to determine the role of this variant in disease. Therefore, it has been classified as a Variant of Uncertain Significance.

NM_000245.4(MET):c.2215C>G (p.Arg739Gly)

Gene: MET (MET proto-oncogene, receptor tyrosine kinase; plus strand). Cytogenetic location: 7q31.2.
Variant type: single nucleotide variant.
Coding change: c.2215C>G on transcript NM_000245.4 (MANE Select); coding-DNA position 2215, C replaced by G.
Protein change: p.Arg739Gly; replaces arginine 739 with glycine.
Molecular consequence: missense variant.
Genome position (GRCh38, 1-based): chr7:116,758,571, C>G. VCF-style: chr7-116758571-C-G. GRCh37 (hg19) VCF-style: chr7-116398625-C-G.
Other names: c.2215C>G, p.Arg739Gly (NM_001127500.3, NM_001324401.3); c.925C>G, p.Arg309Gly (NM_001324402.2); short protein forms R739G, R309G.
Identifiers: ClinVar variation 185515 (VCV000185515.13), dbSNP rs45587940, ClinGen allele CA192161.